The following is an entry in ClinVar:

NM_201253.3(CRB1):c.1974C>T (p.Ile658=)

Gene: CRB1 (crumbs cell polarity complex component 1; plus strand). Cytogenetic location: 1q31.3.
Variant type: single nucleotide variant.
Coding change: c.1974C>T on transcript NM_201253.3 (MANE Select); coding-DNA position 1974, C replaced by T.
Protein change: p.Ile658=; no amino-acid change (isoleucine 658 retained).
Molecular consequence: synonymous variant. On other transcripts: non-coding transcript variant (2).
Genome position (GRCh38, 1-based): chr1:197,421,802, C>T. VCF-style: chr1-197421802-C-T. GRCh37 (hg19) VCF-style: chr1-197390932-C-T.
Other names: c.1638C>T, p.Ile546= (NM_001193640.2); c.1767C>T, p.Ile589= (NM_001257965.2); c.1974C>T, p.Ile658= (NM_001257966.2); c.1974C>T (NM_201253.2).
Identifiers: ClinVar variation 1086434 (VCV001086434.10), dbSNP rs756559532, ClinGen allele CA1312008.

ClinVar aggregate classification (germline): Likely benign. Review status: criteria provided, multiple submitters, no conflicts (2 of 4 stars). 2 submissions from 2 submitters: Likely benign (2). Last evaluated 2025-10-05.

Conditions:
CRB1-related disorder. Also called: CRB1-related disorders; CRB1-related condition.
Leber congenital amaurosis 8 (LCA8). Identifiers: Orphanet 65, MedGen C3151202, MONDO:0013453, OMIM 613835.
Retinitis pigmentosa 12 (RP12). Also called: RP WITH OR WITHOUT PRESERVED PARAARTERIOLE RETINAL PIGMENT EPITHELIUM; RETINITIS PIGMENTOSA WITH OR WITHOUT PARAARTERIOLAR PRESERVATION OF RETINAL PIGMENT EPITHELIUM; RP WITH OR WITHOUT PPRPE. Identifiers: Orphanet 791, MedGen C1838647, MONDO:0010818, OMIM 600105.

Allele frequency attached by ClinVar (database versions not stated): ExAC 0.00002; gnomAD exomes 0.00002.
gnomAD v4.1: 6 of 1,614,180 alleles (0.00037%); highest among the groups gnomAD compares: Admixed American, 0.005%; no homozygotes.

Submissions (2):

PreventionGenetics, part of Exact Sciences
Classification: Likely benign for CRB1-related condition. Last evaluated: 2025-10-05. Review status: criteria provided, single submitter. Criteria: ACMG Guidelines, 2015. Collection method: clinical testing. Allele origin: germline.
Comment: This variant is classified as likely benign based on ACMG/AMP sequence variant interpretation guidelines (Richards et al. 2015 PMID: 25741868, with internal and published modifications).

Labcorp Genetics (formerly Invitae), Labcorp
Classification: Likely benign for Leber congenital amaurosis 8; Retinitis pigmentosa 12. Last evaluated: 2024-03-20. Review status: criteria provided, single submitter. Criteria: Invitae Variant Classification Sherloc (09022015). Collection method: clinical testing. Allele origin: germline.